The following is an entry in ClinVar:

ClinVar aggregate classification (germline): Benign/Likely benign. Review status: criteria provided, multiple submitters, no conflicts (2 of 4 stars). 3 submissions from 3 submitters: Benign (1); Likely benign (2). Last evaluated 2025-04-21.

Conditions:
Long chain 3-hydroxyacyl-CoA dehydrogenase deficiency. Also called: Deficiency of long-chain 3-hydroxyacyl-coenzyme A dehydrogenase; LCHAD Deficiency. Identifiers: Orphanet 5, MedGen C3711645, MONDO:0012173, OMIM 609016.

Allele frequency attached by ClinVar (database versions not stated): gnomAD exomes 0.00064; ExAC 0.00138; 1000 Genomes Project 0.00240; ESP Exome Variant Server 0.00241; 1000 Genomes Project 30x 0.00265; gnomAD 0.00274; TOPMed 0.00359.

Submissions (3):

Mayo Clinic Laboratories, Mayo Clinic
Classification: Likely benign. Last evaluated: 2025-04-21. Review status: criteria provided, single submitter. Criteria: ACMG Guidelines, 2015. Collection method: clinical testing. Allele origin: germline. Observed: 3 variant alleles.
Comment: BS1, BP4, BP7

Illumina Laboratory Services, Illumina
Classification: Likely benign for Long chain 3-hydroxyacyl-CoA dehydrogenase deficiency. Last evaluated: 2018-01-13. Review status: criteria provided, single submitter. Criteria: ICSL Variant Classification Criteria 13 December 2019. Collection method: clinical testing. Allele origin: germline.
Comment: This variant was observed in the ICSL laboratory as part of a predisposition screen in an ostensibly healthy population. It had not been previously curated by ICSL or reported in the Human Gene Mutation Database (HGMD: prior to June 1st, 2018), and was therefore a candidate for classification through an automated scoring system. Utilizing variant allele frequency, disease prevalence and penetrance estimates, and inheritance mode, an automated score was calculated to assess if this variant is too frequent to cause the disease. Based on the score and internal cut-off values, a variant classified as likely benign is not then subjected to further curation. The score for this variant resulted in a classification of likely benign for this disease.

GeneDx
Classification: Benign. Last evaluated: 2014-09-04. Review status: criteria provided, single submitter. Criteria: GeneDx Variant Classification (06012015). Collection method: clinical testing. Allele origin: germline. Affected: yes.
Comment: This variant is considered likely benign or benign based on one or more of the following criteria: it is a conservative change, it occurs at a poorly conserved position in the protein, it is predicted to be benign by multiple in silico algorithms, and/or has population frequency not consistent with disease.

NM_000182.5(HADHA):c.-25C>G

Genes: HADHA (hydroxyacyl-CoA dehydrogenase trifunctional multienzyme complex subunit alpha; minus strand), HADHB (hydroxyacyl-CoA dehydrogenase trifunctional multienzyme complex subunit beta; plus strand). Cytogenetic location: 2p23.3.
Variant type: single nucleotide variant.
Coding change: c.-25C>G on transcript NM_000182.5 (MANE Select); 25 bases upstream of the start codon, C replaced by G.
Molecular consequence: 5 prime UTR variant.
Genome position (GRCh38, 1-based): chr2:26,244,621, G>C on the plus strand (C>G on the coding strand, the complement: HADHA is on the minus strand). VCF-style: chr2-26244621-G-C. GRCh37 (hg19) VCF-style: chr2-26467489-G-C.
Identifiers: ClinVar variation 203741 (VCV000203741.6), dbSNP rs184300489, ClinGen allele CA312576.